The following is an entry in ClinVar:

ClinVar aggregate classification (germline): Uncertain significance (1 of 4 stars; one submission).

gnomAD v4.1: 11 of 1,614,066 alleles (0.00068%); highest among the groups gnomAD compares: East Asian, 0.0022%; no homozygotes.

Submission:

Labcorp Genetics (formerly Invitae), Labcorp
Classification: Uncertain significance. Last evaluated: 2025-02-03. Review status: criteria provided, single submitter. Criteria: Invitae Variant Classification Sherloc (09022015). Collection method: clinical testing. Allele origin: germline.
Comment: This sequence change replaces proline, which is neutral and non-polar, with leucine, which is neutral and non-polar, at codon 1265 of the SRCAP protein (p.Pro1265Leu). This variant is present in population databases (rs766557217, gnomAD 0.003%). This variant has not been reported in the literature in individuals affected with SRCAP-related conditions. Experimental studies and prediction algorithms are not available or were not evaluated, and the functional significance of this variant is currently unknown. In summary, the available evidence is currently insufficient to determine the role of this variant in disease. Therefore, it has been classified as a Variant of Uncertain Significance.

NM_006662.3(SRCAP):c.3794C>T (p.Pro1265Leu)

Gene: SRCAP (Snf2 related CREBBP activator protein; plus strand). Cytogenetic location: 16p11.2.
Variant type: single nucleotide variant.
Coding change: c.3794C>T on transcript NM_006662.3 (MANE Select); coding-DNA position 3794, C replaced by T.
Protein change: p.Pro1265Leu; replaces proline 1265 with leucine.
Molecular consequence: missense variant.
Genome position (GRCh38, 1-based): chr16:30,722,650, C>T. VCF-style: chr16-30722650-C-T. GRCh37 (hg19) VCF-style: chr16-30733971-C-T.
Other names: short protein forms P1265L.
Identifiers: ClinVar variation 3629133 (VCV003629133.2).